The following is an entry in ClinVar:

ClinVar aggregate classification (germline): Uncertain significance (1 of 4 stars; one submission).

Conditions:
TBX10-related disorder. Also called: TBX10-related condition.

Submission:

PreventionGenetics, part of Exact Sciences
Classification: Uncertain significance for TBX10-related condition. Last evaluated: 2022-12-31. Review status: criteria provided, single submitter. Criteria: ACMG Guidelines, 2015. Collection method: clinical testing. Allele origin: germline.
Comment: The TBX10 c.706-2A>G variant is predicted to disrupt the AG splice acceptor site and interfere with normal splicing. To our knowledge, this variant has not been reported in the literature or in a large population database, indicating this variant is rare. At this time, the clinical significance of this variant is uncertain due to the absence of conclusive functional and genetic evidence.

NM_005995.5(TBX10):c.706-2A>G

Gene: TBX10 (T-box transcription factor 10; minus strand). Cytogenetic location: 11q13.2.
Variant type: single nucleotide variant.
Coding change: c.706-2A>G on transcript NM_005995.5 (MANE Select); the canonical splice acceptor site of the intron before coding-DNA position 706, A replaced by G.
Molecular consequence: splice acceptor variant.
Genome position (GRCh38, 1-based): chr11:67,632,672, T>C on the plus strand (A>G on the coding strand, the complement: TBX10 is on the minus strand). VCF-style: chr11-67632672-T-C. GRCh37 (hg19) VCF-style: chr11-67400143-T-C.
Identifiers: ClinVar variation 2629934 (VCV002629934.1), dbSNP rs2495765499, ClinGen allele CA381557628.